The following is an entry in ClinVar:

NM_000548.5(TSC2):c.2345A>C (p.Lys782Thr)

Gene: TSC2 (TSC complex subunit 2; plus strand). Cytogenetic location: 16p13.3.
Variant type: single nucleotide variant.
Coding change: c.2345A>C on transcript NM_000548.5 (MANE Select); coding-DNA position 2345, A replaced by C.
Protein change: p.Lys782Thr; replaces lysine 782 with threonine.
Molecular consequence: missense variant. On other transcripts: non-coding transcript variant (5).
Genome position (GRCh38, 1-based): chr16:2,072,973, A>C. VCF-style: chr16-2072973-A-C. GRCh37 (hg19) VCF-style: chr16-2122974-A-C.
Other names: c.2345A>C, p.Lys782Thr (NM_001077183.3, NM_001114382.3, NM_001363528.2 and 6 more transcripts); c.2234A>C, p.Lys745Thr (NM_001318827.2, NM_001406678.1, NM_001406670.1); c.2198A>C, p.Lys733Thr (NM_001318829.2, NM_001406676.1, NM_001406679.1 and 1 more transcripts); c.1745A>C, p.Lys582Thr (NM_001318831.2, NM_001406680.1, NM_001406682.1 and 6 more transcripts); c.2378A>C, p.Lys793Thr (NM_001318832.2); c.2288A>C, p.Lys763Thr (NM_001406677.1); c.1883A>C, p.Lys628Thr (NM_001406681.1); c.1001A>C, p.Lys334Thr (NM_001406695.1, NM_001406696.1, NM_001406697.1 and 6 more transcripts); and 3 more; short protein forms K782T, K334T, K628T, K733T, K778T, K793T, K248T, K582T.
Identifiers: ClinVar variation 5031327 (VCV005031327.1).

ClinVar aggregate classification (germline): Uncertain significance (1 of 4 stars; one submission).

Conditions:
Hereditary cancer-predisposing syndrome. Also called: Neoplastic Syndromes, Hereditary; Tumor predisposition; Hereditary neoplastic syndrome; Hereditary Cancer Syndrome. Identifiers: Orphanet 140162, MedGen C0027672, MeSH D009386, MONDO:0015356.

Submission:

Ambry Genetics
Classification: Uncertain significance for Hereditary cancer-predisposing syndrome. Last evaluated: 2026-07-06. Review status: criteria provided, single submitter. Criteria: Ambry Variant Classification Scheme 2023. Collection method: clinical testing. Allele origin: germline.
Comment: The p.K782T variant (also known as c.2345A>C), located in coding exon 20 of the TSC2 gene, results from an A to C substitution at nucleotide position 2345. The lysine at codon 782 is replaced by threonine, an amino acid with similar properties. This amino acid position is conserved. In addition, the in silico prediction for this alteration is inconclusive. Based on the available evidence, the clinical significance of this variant remains unclear.